The following is an entry in ClinVar:

NM_004656.4(BAP1):c.1486G>A (p.Ala496Thr)

Gene: BAP1 (BRCA1 associated deubiquitinase 1; minus strand). Cytogenetic location: 3p21.1.
Variant type: single nucleotide variant.
Coding change: c.1486G>A on transcript NM_004656.4 (MANE Select); coding-DNA position 1486, G replaced by A.
Protein change: p.Ala496Thr; replaces alanine 496 with threonine.
Molecular consequence: missense variant.
Genome position (GRCh38, 1-based): chr3:52,403,659, C>T on the plus strand (G>A on the coding strand, the complement: BAP1 is on the minus strand). VCF-style: chr3-52403659-C-T. GRCh37 (hg19) VCF-style: chr3-52437675-C-T.
Other names: c.1432G>A, p.Ala478Thr (NM_001410772.1); c.1486G>A (NM_004656.3); short protein forms A478T, A496T.
Identifiers: ClinVar variation 3477588 (VCV003477588.2).
Genomic context (GRCh38, chr3:52,403,659, plus strand): 5'-GGTTGGCTGAGCGGATAGGCGAGCGCAGTGGCGAGTTGAAAGCACTGCCGATCTCAGAGG[C>T]CGTGTCTGTACTCTCATTGCTGGGGGTGGGTGAGGGCTGCGAGTGTGTGGGCACTGCCAC-3'
Protein context (NP_004647.1, residues 486-506): PTPSNESTDT[Ala496Thr]SEIGSAFNSP

ClinVar aggregate classification (germline): Uncertain significance. Review status: criteria provided, multiple submitters, no conflicts (2 of 4 stars). 2 submissions from 2 submitters: Uncertain significance (2). Last evaluated 2024-10-03.

Conditions:
Hereditary cancer-predisposing syndrome. Also called: Tumor predisposition; Neoplastic Syndromes, Hereditary; Hereditary neoplastic syndrome; Hereditary Cancer Syndrome. Identifiers: Orphanet 140162, MedGen C0027672, MeSH D009386, MONDO:0015356.

Submissions (2):

GeneDx
Classification: Uncertain significance. Last evaluated: 2024-10-03. Review status: criteria provided, single submitter. Criteria: GeneDx Variant Classification Process June 2021. Collection method: clinical testing. Allele origin: germline. Affected: yes.
Comment: Not observed at significant frequency in large population cohorts (gnomAD); In silico analysis indicates that this missense variant does not alter protein structure/function; Has not been previously published as pathogenic or benign to our knowledge

Ambry Genetics
Classification: Uncertain significance for Hereditary cancer-predisposing syndrome. Last evaluated: 2024-09-27. Review status: criteria provided, single submitter. Criteria: Ambry Variant Classification Scheme 2023. Collection method: clinical testing. Allele origin: germline.
Comment: The p.A496T variant (also known as c.1486G>A), located in coding exon 13 of the BAP1 gene, results from a G to A substitution at nucleotide position 1486. The alanine at codon 496 is replaced by threonine, an amino acid with similar properties. This amino acid position is highly conserved in available vertebrate species. In addition, the in silico prediction for this alteration is inconclusive. Based on the available evidence, the clinical significance of this variant remains unclear.